The following is an entry in ClinVar:

ClinVar aggregate classification (germline): Uncertain significance (1 of 4 stars; one submission).

Conditions:
Inborn genetic diseases. Identifiers: MedGen C0950123, MeSH D030342.

Submission:

Ambry Genetics
Classification: Uncertain significance for Inborn genetic diseases. Last evaluated: 2025-02-18. Review status: criteria provided, single submitter. Criteria: Ambry Variant Classification Scheme 2023. Collection method: clinical testing. Allele origin: germline.
Comment: The p.P935T variant (also known as c.2803C>A), located in coding exon 13 of the ASXL1 gene, results from a C to A substitution at nucleotide position 2803. The proline at codon 935 is replaced by threonine, an amino acid with highly similar properties. This amino acid position is conserved. In addition, this alteration is predicted to be tolerated by in silico analysis. Based on the available evidence, the clinical significance of this variant remains unclear.

NM_015338.6(ASXL1):c.2803C>A (p.Pro935Thr)

Gene: ASXL1 (ASXL transcriptional regulator 1; plus strand). Cytogenetic location: 20q11.21.
Variant type: single nucleotide variant.
Coding change: c.2803C>A on transcript NM_015338.6 (MANE Select); coding-DNA position 2803, C replaced by A.
Protein change: p.Pro935Thr; replaces proline 935 with threonine.
Molecular consequence: missense variant.
Genome position (GRCh38, 1-based): chr20:32,435,515, C>A. VCF-style: chr20-32435515-C-A. GRCh37 (hg19) VCF-style: chr20-31023318-C-A.
Other names: c.2620C>A, p.Pro874Thr (NM_001363734.1); short protein forms P935T, P874T.
Identifiers: ClinVar variation 3793605 (VCV003793605.1).
Genomic context (GRCh38, chr20:32,435,515, plus strand): 5'-TCCAGAGAACACATACCATCTGTTGAGCCCCAGGTTGGAGAGGAGTGGGAGAAAGCTGCT[C>A]CCACCCCTCCTGCATTGCCTGGGGATTTGACAGCTGAGGAGGGTCTAGATCCTCTTGACA-3'
Protein context (NP_056153.2, residues 925-945): QVGEEWEKAA[Pro935Thr]TPPALPGDLT